The following is an entry in ClinVar:

ClinVar aggregate classification (germline): Uncertain significance (1 of 4 stars; one submission).

Conditions:
Tuberous sclerosis 1 (TSC1). Identifiers: Orphanet 805, MedGen C1854465, MONDO:0008612, OMIM 191100.

gnomAD v4.1: 2 of 1,613,902 alleles (0.00012%); highest among the groups gnomAD compares: South Asian, 0.0011%; no homozygotes.

Submission:

Labcorp Genetics (formerly Invitae), Labcorp
Classification: Uncertain significance for Tuberous sclerosis 1. Last evaluated: 2025-03-20. Review status: criteria provided, single submitter. Criteria: Invitae Variant Classification Sherloc (09022015). Collection method: clinical testing. Allele origin: germline.
Comment: This sequence change falls in intron 3 of the TSC1 gene. It does not directly change the encoded amino acid sequence of the TSC1 protein. It affects a nucleotide within the consensus splice site. This variant is present in population databases (rs746774454, gnomAD 0.003%). This variant has not been reported in the literature in individuals affected with TSC1-related conditions. Variants that disrupt the consensus splice site are a relatively common cause of aberrant splicing (PMID: 17576681, 9536098). Algorithms developed to predict the effect of sequence changes on RNA splicing suggest that this variant may disrupt the consensus splice site. In summary, the available evidence is currently insufficient to determine the role of this variant in disease. Therefore, it has been classified as a Variant of Uncertain Significance.

Literature cited by the submitters: PubMed 17576681; PubMed 9536098.

NM_000368.5(TSC1):c.106+6C>G

Gene: TSC1 (TSC complex subunit 1; minus strand). Cytogenetic location: 9q34.13.
Variant type: single nucleotide variant.
Coding change: c.106+6C>G on transcript NM_000368.5 (MANE Select); 6 bases into the intron after coding-DNA position 106, C replaced by G.
Molecular consequence: intron variant.
Genome position (GRCh38, 1-based): chr9:132,928,761, G>C on the plus strand (C>G on the coding strand, the complement: TSC1 is on the minus strand). VCF-style: chr9-132928761-G-C. GRCh37 (hg19) VCF-style: chr9-135804148-G-C.
Other names: c.-153-3022C>G (NM_001406620.1, NM_001406618.1); c.-154+6C>G (NM_001406625.1, NM_001406621.1, NM_001406617.1 and 3 more transcripts); c.106+6C>G (NM_001406613.1, NM_001406612.1, NM_001406610.1 and 21 more transcripts); c.-772+6C>G (NM_001406627.1, NM_001406628.1, NM_001406626.1); c.-914+6C>G (NM_001406629.1); c.-246+6C>G (NM_001406614.1); c.-988+6C>G (NM_001406630.1); c.-350+6C>G (NM_001406624.1, NM_001406616.1); and 1 more.
Identifiers: ClinVar variation 4715570 (VCV004715570.1).